The following is an entry in ClinVar:

ClinVar aggregate classification (germline): Uncertain significance (1 of 4 stars; one submission).

Allele frequency attached by ClinVar (database versions not stated): gnomAD exomes below 0.00001.
gnomAD v4.1: 1 of 1,613,966 alleles (0.000062%); highest among the groups gnomAD compares: Admixed American, 0.0017%; no homozygotes.

Submission:

Labcorp Genetics (formerly Invitae), Labcorp
Classification: Uncertain significance. Last evaluated: 2023-02-10. Review status: criteria provided, single submitter. Criteria: Invitae Variant Classification Sherloc (09022015). Collection method: clinical testing. Allele origin: germline.
Comment: In summary, the available evidence is currently insufficient to determine the role of this variant in disease. Therefore, it has been classified as a Variant of Uncertain Significance. An algorithm developed to predict the effect of missense changes on protein structure and function (PolyPhen-2) suggests that this variant is likely to be disruptive. This variant has not been reported in the literature in individuals affected with MYO18B-related conditions. This variant is not present in population databases (gnomAD no frequency). This sequence change replaces aspartic acid, which is acidic and polar, with alanine, which is neutral and non-polar, at codon 2522 of the MYO18B protein (p.Asp2522Ala).

NM_032608.7(MYO18B):c.7565A>C (p.Asp2522Ala)

Gene: MYO18B (myosin XVIIIB; plus strand). Cytogenetic location: 22q12.1.
Variant type: single nucleotide variant.
Coding change: c.7565A>C on transcript NM_032608.7 (MANE Select); coding-DNA position 7565, A replaced by C.
Protein change: p.Asp2522Ala; replaces aspartic acid 2522 with alanine.
Molecular consequence: missense variant.
Genome position (GRCh38, 1-based): chr22:26,027,539, A>C. VCF-style: chr22-26027539-A-C. GRCh37 (hg19) VCF-style: chr22-26423505-A-C.
Other names: c.7568A>C, p.Asp2523Ala (NM_001318245.2); short protein forms D2522A, D2523A.
Identifiers: ClinVar variation 2775933 (VCV002775933.3), dbSNP rs2518439053, ClinGen allele CA411012961.